The following is an entry in ClinVar:

NM_000059.4(BRCA2):c.9259C>A (p.Leu3087Ile)

Gene: BRCA2 (BRCA2 DNA repair associated; plus strand). Cytogenetic location: 13q13.1.
Variant type: single nucleotide variant.
Coding change: c.9259C>A on transcript NM_000059.4 (MANE Select); coding-DNA position 9259, C replaced by A.
Protein change: p.Leu3087Ile; replaces leucine 3087 with isoleucine.
Molecular consequence: missense variant.
Genome position (GRCh38, 1-based): chr13:32,394,691, C>A. VCF-style: chr13-32394691-C-A. GRCh37 (hg19) VCF-style: chr13-32968828-C-A.
Other names: short protein forms L3087I.
Identifiers: ClinVar variation 234025 (VCV000234025.23), dbSNP rs876660803, ClinGen allele CA10579822.

ClinVar aggregate classification (germline): Conflicting classifications of pathogenicity. Review status: criteria provided, conflicting classifications (1 of 4 stars). 5 submissions from 5 submitters: Uncertain significance (4); Benign (1). Last evaluated 2026-04-01.

Conditions:
Hereditary cancer-predisposing syndrome. Also called: Tumor predisposition; Neoplastic Syndromes, Hereditary; Hereditary Cancer Syndrome; Hereditary neoplastic syndrome. Identifiers: Orphanet 140162, MedGen C0027672, MeSH D009386, MONDO:0015356.
Hereditary breast ovarian cancer syndrome. Also called: Hereditary breast and ovarian cancer; Hereditary breast and/or ovarian cancer syndrome; Hereditary breast and ovarian cancer syndrome (HBOC); Hereditary breast and ovarian cancer syndrome; Breast and ovarian cancer; BRCA1- and BRCA2-Associated Hereditary Breast and Ovarian Cancer. Identifiers: Orphanet 145, MedGen C0677776, MeSH D061325, MONDO:0003582. Disease mechanism: loss of function.

Submissions (5):

Women's Health and Genetics/Laboratory Corporation of America, LabCorp
Classification: Uncertain significance. Last evaluated: 2026-04-01. Review status: criteria provided, single submitter. Criteria: LabCorp Variant Classification Summary - May 2015. Collection method: clinical testing. Allele origin: germline.
Comment: Variant summary: BRCA2 c.9259C>A (p.Leu3087Ile) results in a conservative amino acid change in the encoded protein sequence. Algorithms developed to predict the effect of missense changes on protein structure and function all suggest that this variant is likely to be tolerated. Consensus agreement among computation tools predict no significant impact on normal splicing. However, these predictions have yet to be confirmed by functional studies. The variant was absent in 249820 control chromosomes. The available data on variant occurrences in the general population are insufficient to allow any conclusion about variant significance. c.9259C>A has been observed in individual(s) affected with Hereditary Breast And Ovarian Cancer Syndrome (Vargas_2022). These report(s) do not provide unequivocal conclusions about association of the variant with Hereditary Breast And Ovarian Cancer Syndrome. To our knowledge, no experimental evidence demonstrating an impact on protein function has been reported. The following publication have been ascertained in the context of this evaluation (PMID: 35641219). ClinVar contains an entry for this variant (Variation ID: 234025). Based on the evidence outlined above, the variant was classified as uncertain significance.

Ambry Genetics
Classification: Benign for Hereditary cancer-predisposing syndrome. Last evaluated: 2025-03-19. Review status: criteria provided, single submitter. Criteria: Ambry Variant Classification Scheme 2023. Collection method: clinical testing. Allele origin: germline.

Labcorp Genetics (formerly Invitae), Labcorp
Classification: Uncertain significance for Hereditary breast ovarian cancer syndrome. Last evaluated: 2024-12-23. Review status: criteria provided, single submitter. Criteria: Invitae Variant Classification Sherloc (09022015). Collection method: clinical testing. Allele origin: germline.
Comment: This sequence change replaces leucine, which is neutral and non-polar, with isoleucine, which is neutral and non-polar, at codon 3087 of the BRCA2 protein (p.Leu3087Ile). This variant is not present in population databases (gnomAD no frequency). This missense change has been observed in individual(s) with breast cancer and/or ovarian cancer (PMID: 35641219). ClinVar contains an entry for this variant (Variation ID: 234025). An algorithm developed to predict the effect of missense changes on protein structure and function outputs the following: PolyPhen-2: "Benign". The isoleucine amino acid residue is found in multiple mammalian species, which suggests that this missense change does not adversely affect protein function. In summary, the available evidence is currently insufficient to determine the role of this variant in disease. Therefore, it has been classified as a Variant of Uncertain Significance.

GeneDx
Classification: Uncertain significance. Last evaluated: 2024-02-07. Review status: criteria provided, single submitter. Criteria: GeneDx Variant Classification Process June 2021. Collection method: clinical testing. Allele origin: germline. Affected: yes.
Comment: Observed in a family with breast and other cancers (PMID: 35641219); Not observed at significant frequency in large population cohorts (gnomAD); In silico analysis supports that this missense variant does not alter protein structure/function; Also known as 9487C>A; This variant is associated with the following publications: (PMID: 12228710, 35641219)

Color Diagnostics, LLC DBA Color Health
Classification: Uncertain significance for Hereditary cancer-predisposing syndrome. Last evaluated: 2021-06-29. Review status: criteria provided, single submitter. Criteria: ACMG Guidelines, 2015. Collection method: clinical testing. Allele origin: germline.
Comment: This missense variant replaces leucine with isoleucine at codon 3087 of the BRCA2 protein. Computational prediction suggests that this variant may not impact protein structure and function (internally defined REVEL score threshold <= 0.5, PMID: 27666373). To our knowledge, functional studies have not been reported for this variant. This variant has not been reported in individuals affected with hereditary cancer in the literature. This variant has not been identified in the general population by the Genome Aggregation Database (gnomAD). The available evidence is insufficient to determine the role of this variant in disease conclusively. Therefore, this variant is classified as a Variant of Uncertain Significance.

Literature cited by the submitters: PubMed 35641219 (cited by Women's Health and Genetics/Laboratory Corporation of America, LabCorp and Labcorp Genetics (formerly Invitae), Labcorp); PubMed 39779848 (cited by Ambry Genetics); PubMed 39779857 (cited by Ambry Genetics).